The following is an entry in ClinVar:

NM_001291303.3(FAT4):c.9864A>G (p.Ile3288Met)

Gene: FAT4 (FAT atypical cadherin 4; plus strand). Cytogenetic location: 4q28.1.
Variant type: single nucleotide variant.
Coding change: c.9864A>G on transcript NM_001291303.3 (MANE Select); coding-DNA position 9864, A replaced by G.
Protein change: p.Ile3288Met; replaces isoleucine 3288 with methionine.
Molecular consequence: missense variant.
Genome position (GRCh38, 1-based): chr4:125,450,874, A>G. VCF-style: chr4-125450874-A-G. GRCh37 (hg19) VCF-style: chr4-126372029-A-G.
Other names: c.9864A>G, p.Ile3288Met (NM_001291285.3); c.9858A>G, p.Ile3286Met (NM_024582.6); short protein forms I3288M, I3286M.
Identifiers: ClinVar variation 1925783 (VCV001925783.3), dbSNP rs761796573, ClinGen allele CA3073591.

ClinVar aggregate classification (germline): Uncertain significance (1 of 4 stars; one submission).

Allele frequency attached by ClinVar (database versions not stated): TOPMed 0.00001; ExAC 0.00003; gnomAD exomes 0.00003.
gnomAD v4.1: 38 of 1,614,140 alleles (0.0024%); highest among the groups gnomAD compares: Middle Eastern, 0.016%; no homozygotes.

Submission:

Labcorp Genetics (formerly Invitae), Labcorp
Classification: Uncertain significance. Last evaluated: 2025-11-11. Review status: criteria provided, single submitter. Criteria: Invitae Variant Classification Sherloc (09022015). Collection method: clinical testing. Allele origin: germline.
Comment: This sequence change replaces isoleucine, which is neutral and non-polar, with methionine, which is neutral and non-polar, at codon 3286 of the FAT4 protein (p.Ile3286Met). This variant is present in population databases (rs761796573, gnomAD 0.004%). This variant has not been reported in the literature in individuals affected with FAT4-related conditions. ClinVar contains an entry for this variant (Variation ID: 1925783). Invitae Evidence Modeling of protein sequence and biophysical properties (such as structural, functional, and spatial information, amino acid conservation, physicochemical variation, residue mobility, and thermodynamic stability) indicates that this missense variant is expected to disrupt FAT4 protein function with a positive predictive value of 80%. In summary, the available evidence is currently insufficient to determine the role of this variant in disease. Therefore, it has been classified as a Variant of Uncertain Significance.